The following is an entry in ClinVar:

ClinVar aggregate classification (germline): Uncertain significance (1 of 4 stars; one submission).

Allele frequency attached by ClinVar (database versions not stated): gnomAD exomes below 0.00001; TOPMed below 0.00001; gnomAD 0.00001.
gnomAD v4.1: 4 of 1,599,034 alleles (0.00025%); highest among the groups gnomAD compares: Non-Finnish European, 0.00026%; no homozygotes.

Submission:

Labcorp Genetics (formerly Invitae), Labcorp
Classification: Uncertain significance. Last evaluated: 2025-05-29. Review status: criteria provided, single submitter. Criteria: Invitae Variant Classification Sherloc (09022015). Collection method: clinical testing. Allele origin: germline.
Comment: This sequence change replaces tryptophan, which is neutral and slightly polar, with cysteine, which is neutral and slightly polar, at codon 298 of the DSCAML1 protein (p.Trp298Cys). The frequency data for this variant in the population databases is considered unreliable, as metrics indicate poor data quality at this position in the gnomAD database. This variant has not been reported in the literature in individuals affected with DSCAML1-related conditions. ClinVar contains an entry for this variant (Variation ID: 2881519). An algorithm developed to predict the effect of missense changes on protein structure and function (PolyPhen-2) suggests that this variant is likely to be disruptive. In summary, the available evidence is currently insufficient to determine the role of this variant in disease. Therefore, it has been classified as a Variant of Uncertain Significance.

NM_020693.4(DSCAML1):c.714G>T (p.Trp238Cys)

Gene: DSCAML1 (DS cell adhesion molecule like 1; minus strand). Cytogenetic location: 11q23.3.
Variant type: single nucleotide variant.
Coding change: c.714G>T on transcript NM_020693.4 (MANE Select); coding-DNA position 714, G replaced by T.
Protein change: p.Trp238Cys; replaces tryptophan 238 with cysteine.
Molecular consequence: missense variant.
Genome position (GRCh38, 1-based): chr11:117,525,028, C>A on the plus strand (G>T on the coding strand, the complement: DSCAML1 is on the minus strand). VCF-style: chr11-117525028-C-A. GRCh37 (hg19) VCF-style: chr11-117395743-C-A.
Other names: c.714G>T, p.Trp238Cys (NM_001367904.1); c.306G>T, p.Trp102Cys (NM_001367905.1); short protein forms W102C, W238C.
Identifiers: ClinVar variation 2881519 (VCV002881519.3), dbSNP rs1004586713, ClinGen allele CA229378676.